The following is an entry in ClinVar:

NM_000540.3(RYR1):c.14751C>T (p.Phe4917=)

Gene: RYR1 (ryanodine receptor 1; plus strand). Cytogenetic location: 19q13.2.
Variant type: single nucleotide variant.
Coding change: c.14751C>T on transcript NM_000540.3 (MANE Select); coding-DNA position 14751, C replaced by T.
Protein change: p.Phe4917=; no amino-acid change (phenylalanine 4917 retained).
Molecular consequence: synonymous variant.
Genome position (GRCh38, 1-based): chr19:38,585,047, C>T. VCF-style: chr19-38585047-C-T. GRCh37 (hg19) VCF-style: chr19-39075687-C-T.
Other names: c.14736C>T, p.Phe4912= (NM_001042723.2).
Identifiers: ClinVar variation 1660063 (VCV001660063.9), dbSNP rs748270236, ClinGen allele CA061571.

ClinVar aggregate classification (germline): Likely benign. Review status: criteria provided, multiple submitters, no conflicts (2 of 4 stars). 2 submissions from 2 submitters: Likely benign (2). Last evaluated 2025-12-07.

Conditions:
Malignant hyperthermia, susceptibility to, 1 (MHS1). Also called: Anesthesia related hyperthermia; Malignant hyperpyrexia; Fulminating hyperpyrexia; Pharmacogenic myopathy; Malignant hyperthermia suceptibility 1; RYR1-Related Malignant Hyperthermia Susceptibility. Identifiers: Orphanet 423, MedGen C2930980, MONDO:0007783, OMIM 145600.
RYR1-related disorder. Also called: RYR1-related disorders; RYR1-related condition. Identifiers: MedGen CN239331.

Allele frequency attached by ClinVar (database versions not stated): gnomAD exomes 0.00001 and 0.00002; ExAC 0.00002; TOPMed 0.00002.
gnomAD v4.1: 12 of 1,613,962 alleles (0.00074%); highest among the groups gnomAD compares: Admixed American, 0.0083%; no homozygotes.

Submissions (2):

Labcorp Genetics (formerly Invitae), Labcorp
Classification: Likely benign for RYR1-related disorder. Last evaluated: 2025-12-07. Review status: criteria provided, single submitter. Criteria: Invitae Variant Classification Sherloc (09022015). Collection method: clinical testing. Allele origin: germline.

All of Us Research Program, National Institutes of Health
Classification: Likely benign for Malignant hyperthermia, susceptibility to, 1. Last evaluated: 2023-12-18. Review status: criteria provided, single submitter. Criteria: ACMG Guidelines, 2015. Collection method: clinical testing. Allele origin: germline. Inheritance: Autosomal dominant inheritance. Observed: 2 variant alleles, 2 heterozygotes.
Comment: This study involves interpretation of variants in research participants for the purpose of population health screening. Participant phenotype was not available at the time of variant classification. Additional details can be found in publication PMID: 35346344, PMCID: PMC8962531